The following is an entry in ClinVar:

ClinVar aggregate classification (germline): Conflicting classifications of pathogenicity. Review status: criteria provided, conflicting classifications (1 of 4 stars). 9 submissions from 9 submitters: Uncertain significance (7); Likely benign (1). 1 of the submissions does not count toward it. Last evaluated 2026-02-27.

Conditions:
SLC46A1-related disorder. Also called: SLC46A1-related condition.
Inborn genetic diseases. Identifiers: MedGen C0950123, MeSH D030342.
Congenital defect of folate absorption. Also called: Hereditary Folate Malabsorption. Identifiers: Orphanet 90045, MedGen C0342705, MONDO:0009238, OMIM 229050.
Intellectual disability. Also called: intellectual disabilities; Intellectual functioning disability; Intellectual developmental disorder. Identifiers: MedGen C3714756, MeSH D008607, MONDO:0001071, HP:0001249.

Allele frequency attached by ClinVar (database versions not stated): 1000 Genomes Project 0.00020; 1000 Genomes Project 30x 0.00031; ExAC 0.00073; gnomAD exomes 0.00077 and 0.00168; gnomAD 0.00084 and 0.00088; TOPMed 0.00090; ESP Exome Variant Server 0.00138.
gnomAD v4.1: 2,546 of 1,613,990 alleles (0.16%); highest among the groups gnomAD compares: Non-Finnish European, 0.2%; 5 homozygotes.

Submissions (9):

PreventionGenetics, part of Exact Sciences
Classification: Uncertain significance for SLC46A1-related condition. Last evaluated: 2026-02-27. Review status: criteria provided, single submitter. Criteria: ACMG Guidelines, 2015. Collection method: clinical testing. Allele origin: germline.
Comment: The SLC46A1 c.623A>T variant is predicted to result in the amino acid substitution p.Tyr208Phe. To our knowledge, this variant has not been reported in the literature. This variant is reported in 0.12% of alleles in individuals of European (Non-Finnish) descent in gnomAD. Although we suspect that this variant may be benign, at this time, the clinical significance of this variant is uncertain due to the absence of conclusive functional and genetic evidence.

Mayo Clinic Laboratories, Mayo Clinic
Classification: Likely benign. Last evaluated: 2025-09-29. Review status: criteria provided, single submitter. Criteria: ACMG Guidelines, 2015. Collection method: clinical testing. Allele origin: germline. Observed: 1 variant allele.
Comment: BS1, BP4_moderate

Blueprint Genetics
Classification: Uncertain significance. Last evaluated: 2024-11-06. Review status: criteria provided, single submitter. Criteria: ACMG Guidelines, 2015. Collection method: clinical testing. Allele origin: germline.

Labcorp Genetics (formerly Invitae), Labcorp
Classification: Uncertain significance. Last evaluated: 2022-10-13. Review status: criteria provided, single submitter. Criteria: Invitae Variant Classification Sherloc (09022015). Collection method: clinical testing. Allele origin: germline.
Comment: This sequence change replaces tyrosine, which is neutral and polar, with phenylalanine, which is neutral and non-polar, at codon 208 of the SLC46A1 protein (p.Tyr208Phe). This variant is present in population databases (rs201837257, gnomAD 0.1%), and has an allele count higher than expected for a pathogenic variant. This variant has not been reported in the literature in individuals affected with SLC46A1-related conditions. ClinVar contains an entry for this variant (Variation ID: 252777). Advanced modeling of protein sequence and biophysical properties (such as structural, functional, and spatial information, amino acid conservation, physicochemical variation, residue mobility, and thermodynamic stability) performed at Invitae indicates that this missense variant is not expected to disrupt SLC46A1 protein function. In summary, the available evidence is currently insufficient to determine the role of this variant in disease. Therefore, it has been classified as a Variant of Uncertain Significance.

Ambry Genetics
Classification: Uncertain significance for Inborn genetic diseases. Last evaluated: 2021-08-23. Review status: criteria provided, single submitter. Criteria: Ambry Variant Classification Scheme 2023. Collection method: clinical testing. Allele origin: germline.

Fulgent Genetics
Classification: Uncertain significance for Congenital defect of folate absorption. Last evaluated: 2018-10-31. Review status: criteria provided, single submitter. Criteria: ACMG Guidelines, 2015. Collection method: clinical testing. Allele origin: unknown.

Illumina Laboratory Services, Illumina
Classification: Uncertain significance for Congenital defect of folate absorption. Last evaluated: 2018-01-13. Review status: criteria provided, single submitter. Criteria: ICSL Variant Classification Criteria 13 December 2019. Collection method: clinical testing. Allele origin: germline.

Genomic Diagnostic Laboratory, Division of Genomic Diagnostics, Children's Hospital of Philadelphia
Classification: Uncertain significance. Last evaluated: 2015-09-03. Review status: criteria provided, single submitter. Criteria: DGD Variant Analysis Guidelines. Collection method: clinical testing. Allele origin: unknown.

Centre de Biologie Pathologie Génétique, Centre Hospitalier Universitaire de Lille
Classification: Uncertain significance for Intellectual disability. Last evaluated: 2019-01-01. Review status: no assertion criteria provided. Collection method: clinical testing. Allele origin: unknown. Affected: yes. Not counted in ClinVar's aggregate classification.

NM_080669.6(SLC46A1):c.623A>T (p.Tyr208Phe)

Gene: SLC46A1 (solute carrier family 46 member 1; minus strand). Cytogenetic location: 17q11.2.
Variant type: single nucleotide variant.
Coding change: c.623A>T on transcript NM_080669.6 (MANE Select); coding-DNA position 623, A replaced by T.
Protein change: p.Tyr208Phe; replaces tyrosine 208 with phenylalanine.
Molecular consequence: missense variant.
Genome position (GRCh38, 1-based): chr17:28,405,074, T>A on the plus strand (A>T on the coding strand, the complement: SLC46A1 is on the minus strand). VCF-style: chr17-28405074-T-A. GRCh37 (hg19) VCF-style: chr17-26732092-T-A.
Other names: p.Tyr208Phe; c.623A>T, p.Tyr208Phe (NM_001242366.3); short protein forms Y208F.
Identifiers: ClinVar variation 252777 (VCV000252777.14), dbSNP rs201837257, ClinGen allele CA8458308.